The following is an entry in ClinVar:

NM_001261826.3(AP3D1):c.193-12_193-11delinsAA

Gene: AP3D1 (adaptor related protein complex 3 subunit delta 1; minus strand). Cytogenetic location: 19p13.3.
Variant type: Indel.
Coding change: c.193-12_193-11delinsAA on transcript NM_001261826.3 (MANE Select); 12 bases into the intron before coding-DNA position 193 through 11 bases into the intron before coding-DNA position 193, GT replaced by AA.
Molecular consequence: intron variant.
Genome position (GRCh38, 1-based): chr19:2,137,818-2,137,819, AC replaced by TT on the plus strand (GT replaced by AA on the coding strand, the reverse complement: AP3D1 is on the minus strand). VCF-style: chr19-2137818-AC-TT. GRCh37 (hg19) VCF-style: chr19-2137817-AC-TT.
Other names: c.193-12_193-11delinsAA (NM_003938.8, NM_001374799.1).
Identifiers: ClinVar variation 2702628 (VCV002702628.3), dbSNP rs2512229353, ClinGen allele CA2697555616.

ClinVar aggregate classification (germline): Uncertain significance (1 of 4 stars; one submission).

Submission:

Labcorp Genetics (formerly Invitae), Labcorp
Classification: Uncertain significance. Last evaluated: 2023-12-13. Review status: criteria provided, single submitter. Criteria: Invitae Variant Classification Sherloc (09022015). Collection method: clinical testing. Allele origin: germline.
Comment: This sequence change falls in intron 2 of the AP3D1 gene. It does not directly change the encoded amino acid sequence of the AP3D1 protein. Information on the frequency of this variant in the gnomAD database is not available, as this variant may be reported differently in the database. This variant has not been reported in the literature in individuals affected with AP3D1-related conditions. Experimental studies and prediction algorithms are not available or were not evaluated, and the effect of this variant on mRNA splicing is currently unknown. In summary, the available evidence is currently insufficient to determine the role of this variant in disease. Therefore, it has been classified as a Variant of Uncertain Significance.